The following is an entry in ClinVar:

ClinVar aggregate classification (germline): Uncertain significance (1 of 4 stars; one submission).

Submission:

Women's Health and Genetics/Laboratory Corporation of America, LabCorp
Classification: Uncertain significance. Last evaluated: 2025-05-23. Review status: criteria provided, single submitter. Criteria: LabCorp Variant Classification Summary - May 2015. Collection method: clinical testing. Allele origin: germline.
Comment: Variant summary: DAG1 c.2135G>C (p.Ser712Thr) results in a conservative amino acid change in the encoded protein sequence. Algorithms developed to predict the effect of missense changes on protein structure and function are either unavailable or do not agree on the potential impact of this missense change. The variant was absent in 250816 control chromosomes. The available data on variant occurrences in the general population are insufficient to allow any conclusion about variant significance. To our knowledge, no occurrence of c.2135G>C in individuals affected with Muscular dystrophy-dystroglycanopathy (congenital with brain and eye anomalies), type A9 and no experimental evidence demonstrating its impact on protein function have been reported. No submitters have cited clinical-significance assessments for this variant to ClinVar. Based on the evidence outlined above, the variant was classified as uncertain significance.

NM_004393.6(DAG1):c.2135G>C (p.Ser712Thr)

Gene: DAG1 (dystroglycan 1; plus strand). Cytogenetic location: 3p21.31.
Variant type: single nucleotide variant.
Coding change: c.2135G>C on transcript NM_004393.6 (MANE Select); coding-DNA position 2135, G replaced by C.
Protein change: p.Ser712Thr; replaces serine 712 with threonine.
Molecular consequence: missense variant.
Genome position (GRCh38, 1-based): chr3:49,532,646, G>C. VCF-style: chr3-49532646-G-C. GRCh37 (hg19) VCF-style: chr3-49570079-G-C.
Other names: c.2135G>C, p.Ser712Thr (NM_001165928.4, NM_001177634.3, NM_001177635.3 and 9 more transcripts); short protein forms S712T.
Identifiers: ClinVar variation 3902715 (VCV003902715.1).